The following is an entry in ClinVar:

ClinVar aggregate classification (germline): Conflicting classifications of pathogenicity. Review status: criteria provided, conflicting classifications (1 of 4 stars). 3 submissions from 3 submitters: Uncertain significance (2); Likely benign (1). Last evaluated 2023-02-08.

Conditions:
Inborn genetic diseases. Identifiers: MedGen C0950123, MeSH D030342.

Allele frequency attached by ClinVar (database versions not stated): TOPMed 0.00001.

Submissions (3):

Labcorp Genetics (formerly Invitae), Labcorp
Classification: Uncertain significance. Last evaluated: 2023-02-08. Review status: criteria provided, single submitter. Criteria: Invitae Variant Classification Sherloc (09022015). Collection method: clinical testing. Allele origin: germline.
Comment: This sequence change replaces glycine, which is neutral and non-polar, with serine, which is neutral and polar, at codon 152 of the CDH2 protein (p.Gly152Ser). This variant is not present in population databases (gnomAD no frequency). This variant has not been reported in the literature in individuals affected with CDH2-related conditions. Algorithms developed to predict the effect of missense changes on protein structure and function output the following: SIFT: "Tolerated"; PolyPhen-2: "Benign"; Align-GVGD: "Class C0". The serine amino acid residue is found in multiple mammalian species, which suggests that this missense change does not adversely affect protein function. In summary, the available evidence is currently insufficient to determine the role of this variant in disease. Therefore, it has been classified as a Variant of Uncertain Significance.

Blueprint Genetics
Classification: Likely benign. Last evaluated: 2022-10-18. Review status: criteria provided, single submitter. Criteria: ACMG Guidelines, 2015. Collection method: clinical testing. Allele origin: germline.

Ambry Genetics
Classification: Uncertain significance for Inborn genetic diseases. Last evaluated: 2021-07-20. Review status: criteria provided, single submitter. Criteria: Ambry Variant Classification Scheme 2023. Collection method: clinical testing. Allele origin: germline.

NM_001792.5(CDH2):c.454G>A (p.Gly152Ser)

Gene: CDH2 (cadherin 2; minus strand). Cytogenetic location: 18q12.1.
Variant type: single nucleotide variant.
Coding change: c.454G>A on transcript NM_001792.5 (MANE Select); coding-DNA position 454, G replaced by A.
Protein change: p.Gly152Ser; replaces glycine 152 with serine.
Molecular consequence: missense variant.
Genome position (GRCh38, 1-based): chr18:28,011,938, C>T on the plus strand (G>A on the coding strand, the complement: CDH2 is on the minus strand). VCF-style: chr18-28011938-C-T. GRCh37 (hg19) VCF-style: chr18-25591902-C-T.
Other names: c.361G>A, p.Gly121Ser (NM_001308176.2); short protein forms G121S, G152S.
Identifiers: ClinVar variation 2238840 (VCV002238840.6), dbSNP rs2013112478, ClinGen allele CA402243945.